The following is an entry in ClinVar:

NM_000492.4(CFTR):c.214G>A (p.Ala72Thr)

Gene: CFTR (CF transmembrane conductance regulator; plus strand). Cytogenetic location: 7q31.2.
Variant type: single nucleotide variant.
Coding change: c.214G>A on transcript NM_000492.4 (MANE Select); coding-DNA position 214, G replaced by A.
Protein change: p.Ala72Thr; replaces alanine 72 with threonine.
Molecular consequence: missense variant.
Genome position (GRCh38, 1-based): chr7:117,509,083, G>A. VCF-style: chr7-117509083-G-A. GRCh37 (hg19) VCF-style: chr7-117149137-G-A.
Other names: short protein forms A72T.
Identifiers: ClinVar variation 3907006 (VCV003907006.1).

ClinVar aggregate classification (germline): Uncertain significance (1 of 4 stars; one submission).

Submission:

Women's Health and Genetics/Laboratory Corporation of America, LabCorp
Classification: Uncertain significance. Last evaluated: 2025-06-30. Review status: criteria provided, single submitter. Criteria: LabCorp Variant Classification Summary - May 2015. Collection method: clinical testing. Allele origin: germline.
Comment: Variant summary: CFTR c.214G>A (p.Ala72Thr) results in a non-conservative amino acid change in the encoded protein sequence. Algorithms developed to predict the effect of missense changes on protein structure and function all suggest that this variant is likely to be disruptive. The variant allele was found at a frequency of 4e-06 in 250978 control chromosomes. The available data on variant occurrences in the general population are insufficient to allow any conclusion about variant significance. c.214G>A has been observed in the presumed compound heterozygous state in at least 1 individual(s) affected with CFTR-Related Diseases (example, Zhou_2025). These data do not allow any conclusion about variant significance. To our knowledge, no experimental evidence demonstrating an impact on protein function has been reported. The following publications have been ascertained in the context of this evaluation (PMID: 32734384, 35858753, 25735457, 31450232, 32716133, 30842938, 34557648, 27706244, 33937153, 39773272, 34276759, 11504857, 40128832, 36834620, 31423445). No submitters have cited clinical-significance assessments for this variant to ClinVar. Based on the evidence outlined above, the variant was classified as uncertain significance.

Literature cited by the submitters: PubMed 11504857; PubMed 25735457; PubMed 27706244; PubMed 31423445; PubMed 31450232; PubMed 34276759; PubMed 33937153; PubMed 36834620; PubMed 35858753; PubMed 32734384; PubMed 34557648; PubMed 40128832; PubMed 39773272; PubMed 30842938; PubMed 32716133.